The following is an entry in ClinVar:

ClinVar aggregate classification (germline): Conflicting classifications of pathogenicity. Review status: criteria provided, conflicting classifications (1 of 4 stars). 2 submissions from 2 submitters: Likely pathogenic (1); Uncertain significance (1). Last evaluated 2025-10-14.

Conditions:
LAMA2-related muscular dystrophy (LAMA2-RD). Also called: Laminin alpha 2-related dystrophy. Identifiers: MedGen C5679788, MONDO:0100228.

Allele frequency attached by ClinVar (database versions not stated): TOPMed 0.00001.

Submissions (2):

Labcorp Genetics (formerly Invitae), Labcorp
Classification: Likely pathogenic for LAMA2-related muscular dystrophy. Last evaluated: 2025-10-14. Review status: criteria provided, single submitter. Criteria: Invitae Variant Classification Sherloc (09022015). Collection method: clinical testing. Allele origin: germline.
Comment: This sequence change replaces cysteine, which is neutral and slightly polar, with tyrosine, which is neutral and polar, at codon 1466 of the LAMA2 protein (p.Cys1466Tyr). This variant is not present in population databases (gnomAD no frequency). This missense change has been observed in individual(s) with autosomal recessive limb-girdle muscular dystrophy (internal data). In at least one individual the data is consistent with being in trans (on the opposite chromosome) from a pathogenic variant. ClinVar contains an entry for this variant (Variation ID: 2433305). Invitae Evidence Modeling of protein sequence and biophysical properties (such as structural, functional, and spatial information, amino acid conservation, physicochemical variation, residue mobility, and thermodynamic stability) has been performed for this missense variant. However, the output from this modeling did not meet the statistical confidence thresholds required to predict the impact of this variant on LAMA2 protein function. This variant disrupts the p.Cys1466 amino acid residue in LAMA2. Other variant(s) that disrupt this residue have been observed in individuals with LAMA2-related conditions (PMID: 36374152), which suggests that this may be a clinically significant amino acid residue. In summary, the currently available evidence indicates that the variant is pathogenic, but additional data are needed to prove that conclusively. Therefore, this variant has been classified as Likely Pathogenic.

Revvity Omics, Revvity
Classification: Uncertain significance. Last evaluated: 2021-08-09. Review status: criteria provided, single submitter. Criteria: ACMG Guidelines, 2015. Collection method: clinical testing. Allele origin: germline.

Literature cited by the submitters: PubMed 36374152 (cited by Labcorp Genetics (formerly Invitae), Labcorp).

NM_000426.4(LAMA2):c.4397G>A (p.Cys1466Tyr)

Gene: LAMA2 (laminin subunit alpha 2; plus strand). Cytogenetic location: 6q22.33.
Variant type: single nucleotide variant.
Coding change: c.4397G>A on transcript NM_000426.4 (MANE Select); coding-DNA position 4397, G replaced by A.
Protein change: p.Cys1466Tyr; replaces cysteine 1466 with tyrosine.
Molecular consequence: missense variant.
Genome position (GRCh38, 1-based): chr6:129,342,428, G>A. VCF-style: chr6-129342428-G-A. GRCh37 (hg19) VCF-style: chr6-129663573-G-A.
Other names: c.4397G>A, p.Cys1466Tyr (NM_001079823.2); short protein forms C1466Y.
Identifiers: ClinVar variation 2433305 (VCV002433305.4), dbSNP rs1776320682, ClinGen allele CA365615425.